The following is an entry in ClinVar:

NM_000168.6(GLI3):c.1459T>A (p.Cys487Ser)

Gene: GLI3 (GLI family zinc finger 3; minus strand). Cytogenetic location: 7p14.1.
Variant type: single nucleotide variant.
Coding change: c.1459T>A on transcript NM_000168.6 (MANE Select); coding-DNA position 1459, T replaced by A.
Protein change: p.Cys487Ser; replaces cysteine 487 with serine.
Molecular consequence: missense variant.
Genome position (GRCh38, 1-based): chr7:42,023,506, A>T on the plus strand (T>A on the coding strand, the complement: GLI3 is on the minus strand). VCF-style: chr7-42023506-A-T. GRCh37 (hg19) VCF-style: chr7-42063105-A-T.
Other names: short protein forms C487S.
Identifiers: ClinVar variation 1804966 (VCV001804966.4), dbSNP rs2128730770, ClinGen allele CA367323866.
Genomic context (GRCh38, chr7:42,023,506, plus strand): 5'-TTCCTGAATACCATCCACTTACGTGCACAAGCTGCTCTTGGGTGTCGAACTCCCTCGCGC[A>T]GCCTTCCCAGTGGCAGTTTGTCTCATAGATGACTTCAGGCTCCTGTTTGCTTTCATCTTT-3'
Protein context (NP_000159.3, residues 477-497): IYETNCHWEG[Cys487Ser]AREFDTQEQL

ClinVar aggregate classification (germline): Conflicting classifications of pathogenicity. Review status: criteria provided, conflicting classifications (1 of 4 stars). 2 submissions from 2 submitters: Likely pathogenic (1); Uncertain significance (1). Last evaluated 2023-04-27.

Conditions:
Greig cephalopolysyndactyly syndrome (GCPS). Also called: POLYSYNDACTYLY WITH PECULIAR SKULL SHAPE; Greig syndrome; GLI3-Related Greig Cephalopolysyndactyly Syndrome. Identifiers: Orphanet 380, MedGen C0265306, MONDO:0008287, OMIM 175700.
Pallister-Hall syndrome (PHS). Also called: HYPOTHALAMIC HAMARTOBLASTOMA, HYPOPITUITARISM, IMPERFORATE ANUS, AND POSTAXIAL POLYDACTYLY; GLI3-Related Pallister-Hall Syndrome. Identifiers: Orphanet 672, MedGen C0265220, MONDO:0007804, OMIM 146510.

Submissions (2):

Labcorp Genetics (formerly Invitae), Labcorp
Classification: Uncertain significance for Pallister-Hall syndrome; Greig cephalopolysyndactyly syndrome. Last evaluated: 2023-04-27. Review status: criteria provided, single submitter. Criteria: Invitae Variant Classification Sherloc (09022015). Collection method: clinical testing. Allele origin: germline.
Comment: This sequence change replaces cysteine, which is neutral and slightly polar, with serine, which is neutral and polar, at codon 487 of the GLI3 protein (p.Cys487Ser). This variant is not present in population databases (gnomAD no frequency). This variant has not been reported in the literature in individuals affected with GLI3-related conditions. ClinVar contains an entry for this variant (Variation ID: 1804966). Advanced modeling of protein sequence and biophysical properties (such as structural, functional, and spatial information, amino acid conservation, physicochemical variation, residue mobility, and thermodynamic stability) performed at Invitae indicates that this missense variant is expected to disrupt GLI3 protein function. In summary, the available evidence is currently insufficient to determine the role of this variant in disease. Therefore, it has been classified as a Variant of Uncertain Significance.

Victorian Clinical Genetics Services, Murdoch Childrens Research Institute
Classification: Likely pathogenic for Greig cephalopolysyndactyly syndrome. Last evaluated: 2022-02-02. Review status: criteria provided, single submitter. Criteria: ACMG Guidelines, 2015. Collection method: clinical testing. Allele origin: germline. Inheritance: Autosomal dominant inheritance. Affected: yes.
Comment: Based on the classification scheme VCGS_Germline_v1.3.4, this variant is classified as Likely pathogenic. Following criteria are met: 0102 - Loss of function is a known mechanism of disease in this gene and is associated with Greig cephalopolysyndactyly syndrome (MIM#175700). (I) 0107 - This gene is associated with autosomal dominant disease. (I) 0115 - Variants in this gene are known to have variable expressivity (PMID: 18000979). (I) 0200 - Variant is predicted to result in a missense amino acid change from cysteine to serine. (I) 0251 - This variant is heterozygous. (I) 0301 - Variant is absent from gnomAD (both v2 and v3). (SP) 0501 - Missense variant consistently predicted to be damaging by multiple in silico tools or highly conserved with a major amino acid change. (SP) 0601 - Variant is located within a zinc finger motif, and affects a cysteine residue. Cysteines within these motifs are known to be essential (Uniprot, PMID: 33304378). (SP) 0705 - No comparable missense variants have previous evidence for pathogenicity. (I) 0807 - This variant has no previous evidence of pathogenicity. (I) 0905 - No published segregation evidence has been identified for this variant. (I) 1007 - No published functional evidence has been identified for this variant. (I) 1102 - Strong phenotype match for this individual. (SP) 1208 - Inheritance information for this variant is not currently available in this individual. (I) Legend: (SP) - Supporting pathogenic, (I) - Information, (SB) - Supporting benign

Literature cited by the submitters: PubMed 18000979 (cited by Victorian Clinical Genetics Services, Murdoch Childrens Research Institute); PubMed 33304378 (cited by Victorian Clinical Genetics Services, Murdoch Childrens Research Institute).